The following is an entry in ClinVar:

ClinVar aggregate classification (germline): Uncertain significance. Review status: criteria provided, multiple submitters, no conflicts (2 of 4 stars). 3 submissions from 3 submitters: Uncertain significance (3). Last evaluated 2026-02-18.

Conditions:
PKHD1-related disorder. Also called: PKHD1-related condition.
Inborn genetic diseases. Identifiers: MedGen C0950123, MeSH D030342.

Allele frequency attached by ClinVar (database versions not stated): gnomAD exomes 0.00001; TOPMed 0.00001; ExAC 0.00002; gnomAD 0.00004.
gnomAD v4.1: 14 of 1,613,316 alleles (0.00087%); highest among the groups gnomAD compares: Admixed American, 0.015%; no homozygotes.

Submissions (3):

PreventionGenetics, part of Exact Sciences
Classification: Uncertain significance for PKHD1-related condition. Last evaluated: 2026-02-18. Review status: criteria provided, single submitter. Criteria: ACMG Guidelines, 2015. Collection method: clinical testing. Allele origin: germline.
Comment: The PKHD1 c.5836G>A variant is predicted to result in the amino acid substitution p.Val1946Ile. To our knowledge, this variant has not been reported in the literature. This variant is reported in 0.020% of alleles in individuals of East Asian descent in gnomAD. At this time, the clinical significance of this variant is uncertain due to the absence of conclusive functional and genetic evidence.

Ambry Genetics
Classification: Uncertain significance for Inborn genetic diseases. Last evaluated: 2025-07-14. Review status: criteria provided, single submitter. Criteria: Ambry Variant Classification Scheme 2023. Collection method: clinical testing. Allele origin: germline.

GeneDx
Classification: Uncertain significance. Last evaluated: 2024-10-23. Review status: criteria provided, single submitter. Criteria: GeneDx Variant Classification Process June 2021. Collection method: clinical testing. Allele origin: germline. Affected: yes.
Comment: In silico analysis indicates that this missense variant does not alter protein structure/function; Has not been previously published as pathogenic or benign to our knowledge

NM_138694.4(PKHD1):c.5836G>A (p.Val1946Ile)

Gene: PKHD1 (PKHD1 ciliary IPT domain containing fibrocystin/polyductin; minus strand). Cytogenetic location: 6p12.2.
Variant type: single nucleotide variant.
Coding change: c.5836G>A on transcript NM_138694.4 (MANE Select); coding-DNA position 5836, G replaced by A.
Protein change: p.Val1946Ile; replaces valine 1946 with isoleucine.
Molecular consequence: missense variant.
Genome position (GRCh38, 1-based): chr6:51,959,942, C>T on the plus strand (G>A on the coding strand, the complement: PKHD1 is on the minus strand). VCF-style: chr6-51959942-C-T. GRCh37 (hg19) VCF-style: chr6-51824740-C-T.
Other names: c.5836G>A, p.Val1946Ile (NM_170724.3); short protein forms V1946I.
Identifiers: ClinVar variation 2516031 (VCV002516031.6), dbSNP rs749107173, ClinGen allele CA3852416.